The following is an entry in ClinVar:

ClinVar aggregate classification (germline): Likely benign (1 of 4 stars; one submission).

Conditions:
Hypertrophic cardiomyopathy. Also called: HYPERTROPHIC MYOCARDIOPATHY. Identifiers: Orphanet 217569, MedGen C0007194, MeSH D002312, MONDO:0005045, HP:0001639.

Allele frequency attached by ClinVar (database versions not stated): TOPMed below 0.00001.
gnomAD v4.1: 1 of 1,613,264 alleles (0.000062%); no homozygotes.

Submission:

All of Us Research Program, National Institutes of Health
Classification: Likely benign for Hypertrophic cardiomyopathy. Last evaluated: 2023-11-02. Review status: criteria provided, single submitter. Criteria: ACMG Guidelines, 2015. Collection method: clinical testing. Allele origin: germline. Inheritance: Autosomal dominant inheritance. Observed: 1 variant allele, 1 heterozygote.
Comment: This study involves interpretation of variants in research participants for the purpose of population health screening. Participant phenotype was not available at the time of variant classification. Additional details can be found in publication PMID: 35346344, PMCID: PMC8962531

NM_001018005.2(TPM1):c.36G>A (p.Lys12=)

Gene: TPM1 (tropomyosin 1; plus strand). Cytogenetic location: 15q22.2.
Variant type: single nucleotide variant.
Coding change: c.36G>A on transcript NM_001018005.2 (MANE Select); coding-DNA position 36, G replaced by A.
Protein change: p.Lys12=; no amino-acid change (lysine 12 retained).
Molecular consequence: synonymous variant. On other transcripts: non-coding transcript variant (11).
Genome position (GRCh38, 1-based): chr15:63,042,865, G>A. VCF-style: chr15-63042865-G-A. GRCh37 (hg19) VCF-style: chr15-63335064-G-A.
Other names: c.36G>A, p.Lys12= (NM_000366.6, NM_001018004.2, NM_001018006.2 and 24 more transcripts).
Identifiers: ClinVar variation 3074310 (VCV003074310.1), dbSNP rs1313549801, ClinGen allele CA490677841.